The following is an entry in ClinVar:

NM_000052.7(ATP7A):c.2013G>C (p.Met671Ile)

Gene: ATP7A (ATPase copper transporting alpha; plus strand). Cytogenetic location: Xq21.1.
Variant type: single nucleotide variant.
Coding change: c.2013G>C on transcript NM_000052.7 (MANE Select); coding-DNA position 2013, G replaced by C.
Protein change: p.Met671Ile; replaces methionine 671 with isoleucine.
Molecular consequence: missense variant.
Genome position (GRCh38, 1-based): chrX:78,011,515, G>C. VCF-style: chrX-78011515-G-C. GRCh37 (hg19) VCF-style: chrX-77267012-G-C.
Other names: c.2013G>C, p.Met671Ile (NM_001282224.2); c.2013G>C (NM_000052.4); short protein forms M671I.
Identifiers: ClinVar variation 3758526 (VCV003758526.3).

ClinVar aggregate classification (germline): Uncertain significance. Review status: criteria provided, multiple submitters, no conflicts (2 of 4 stars). 2 submissions from 2 submitters: Uncertain significance (2). Last evaluated 2026-02-17.

Conditions:
Menkes kinky-hair syndrome (MNK). Also called: Copper transport disease; Menkes Disease; Classic Menkes Disease. Identifiers: Orphanet 565, MedGen C0022716, MONDO:0010651, OMIM 309400.
X-linked distal spinal muscular atrophy type 3. Also called: ATP7A-Related Distal Motor Neuropathy; SPINAL MUSCULAR ATROPHY, DISTAL, X-LINKED RECESSIVE; NEURONOPATHY, DISTAL HEREDITARY MOTOR, X-LINKED; NEUROPATHY, DISTAL HEREDITARY MOTOR, X-LINKED. Identifiers: Orphanet 139557, MedGen C1845359, MONDO:0010338, OMIM 300489.
Cutis laxa, X-linked (OHS). Also called: EDS IX; Occipital horn syndrome. Identifiers: Orphanet 198, MedGen C0268353, MONDO:0010572, OMIM 304150.
Inborn genetic diseases. Identifiers: MedGen C0950123, MeSH D030342.

Submissions (2):

Ambry Genetics
Classification: Uncertain significance for Inborn genetic diseases. Last evaluated: 2026-02-17. Review status: criteria provided, single submitter. Criteria: Ambry Variant Classification Scheme 2023. Collection method: clinical testing. Allele origin: germline.

Labcorp Genetics (formerly Invitae), Labcorp
Classification: Uncertain significance for X-linked distal spinal muscular atrophy type 3; Cutis laxa, X-linked; Menkes kinky-hair syndrome. Last evaluated: 2024-04-18. Review status: criteria provided, single submitter. Criteria: Invitae Variant Classification Sherloc (09022015). Collection method: clinical testing. Allele origin: germline.
Comment: This sequence change replaces methionine, which is neutral and non-polar, with isoleucine, which is neutral and non-polar, at codon 671 of the ATP7A protein (p.Met671Ile). This variant is not present in population databases (gnomAD no frequency). This variant has not been reported in the literature in individuals affected with ATP7A-related conditions. Advanced modeling of protein sequence and biophysical properties (such as structural, functional, and spatial information, amino acid conservation, physicochemical variation, residue mobility, and thermodynamic stability) performed at Invitae indicates that this missense variant is not expected to disrupt ATP7A protein function with a negative predictive value of 95%. In summary, the available evidence is currently insufficient to determine the role of this variant in disease. Therefore, it has been classified as a Variant of Uncertain Significance.